The following is an entry in ClinVar:

NM_000388.4(CASR):c.3112G>A (p.Gly1038Arg)

Gene: CASR (calcium sensing receptor; plus strand). Cytogenetic location: 3q21.1.
Variant type: single nucleotide variant.
Coding change: c.3112G>A on transcript NM_000388.4 (MANE Select); coding-DNA position 3112, G replaced by A.
Protein change: p.Gly1038Arg; replaces glycine 1038 with arginine.
Molecular consequence: missense variant.
Genome position (GRCh38, 1-based): chr3:122,285,066, G>A. VCF-style: chr3-122285066-G-A. GRCh37 (hg19) VCF-style: chr3-122003913-G-A.
Other names: c.3142G>A, p.Gly1048Arg (NM_001178065.2); short protein forms G1038R, G1048R.
Identifiers: ClinVar variation 655178 (VCV000655178.13), dbSNP rs764032437, ClinGen allele CA2569933.

ClinVar aggregate classification (germline): Uncertain significance. Review status: criteria provided, multiple submitters, no conflicts (2 of 4 stars). 2 submissions from 2 submitters: Uncertain significance (2). Last evaluated 2024-09-16.

Conditions:
Autosomal dominant hypocalcemia 1 (HYPOC1). Also called: HYPOCALCEMIA, FAMILIAL. Identifiers: MedGen C3715128, MONDO:0011013, OMIM 601198.
Familial hypocalciuric hypercalcemia (FHH). Also called: Familial benign hypercalcemia. Identifiers: Orphanet 405, MedGen C1809471, MONDO:0018458.
Nephrolithiasis/nephrocalcinosis. Identifiers: MedGen CN580796.

Allele frequency attached by ClinVar (database versions not stated): gnomAD exomes below 0.00001; ExAC 0.00001; gnomAD 0.00001.
gnomAD v4.1: 3 of 1,614,106 alleles (0.00019%); highest among the groups gnomAD compares: Non-Finnish European, 0.00025%; no homozygotes.

Submissions (2):

Labcorp Genetics (formerly Invitae), Labcorp
Classification: Uncertain significance for Familial hypocalciuric hypercalcemia; Autosomal dominant hypocalcemia 1. Last evaluated: 2024-09-16. Review status: criteria provided, single submitter. Criteria: Invitae Variant Classification Sherloc (09022015). Collection method: clinical testing. Allele origin: germline.
Comment: This sequence change replaces glycine, which is neutral and non-polar, with arginine, which is basic and polar, at codon 1038 of the CASR protein (p.Gly1038Arg). This variant is present in population databases (rs764032437, gnomAD 0.004%). This variant has not been reported in the literature in individuals affected with CASR-related conditions. ClinVar contains an entry for this variant (Variation ID: 655178). An algorithm developed to predict the effect of missense changes on protein structure and function outputs the following: PolyPhen-2: "Possibly Damaging". The arginine amino acid residue is found in multiple mammalian species, which suggests that this missense change does not adversely affect protein function. In summary, the available evidence is currently insufficient to determine the role of this variant in disease. Therefore, it has been classified as a Variant of Uncertain Significance.

Ambry Genetics
Classification: Uncertain significance for Nephrolithiasis/nephrocalcinosis. Last evaluated: 2021-11-22. Review status: criteria provided, single submitter. Criteria: Ambry Variant Classification Scheme 2023. Collection method: clinical testing. Allele origin: germline.
Comment: The p.G1038R variant (also known as c.3112G>A), located in coding exon 6 of the CASR gene, results from a G to A substitution at nucleotide position 3112. The glycine at codon 1038 is replaced by arginine, an amino acid with dissimilar properties. This amino acid position is conserved. In addition, this alteration is predicted to be tolerated by in silico analysis. Since supporting evidence is limited at this time, the clinical significance of this alteration remains unclear.